The following is an entry in ClinVar:

ClinVar aggregate classification (germline): Likely benign. Review status: criteria provided, multiple submitters, no conflicts (2 of 4 stars). 3 submissions from 3 submitters: Likely benign (2). 1 of the submissions does not count toward it. Last evaluated 2025-03-10.

Conditions:
PRPF6-related disorder. Also called: PRPF6-related condition.

Allele frequency attached by ClinVar (database versions not stated): gnomAD exomes 0.00002; TOPMed 0.00002; gnomAD 0.00003 and 0.00005; 1000 Genomes Project 30x 0.00031; 1000 Genomes Project 0.00040.
gnomAD v4.1: 42 of 1,613,664 alleles (0.0026%); highest among the groups gnomAD compares: Middle Eastern, 0.033%; 1 homozygote.

Submissions (3):

Labcorp Genetics (formerly Invitae), Labcorp
Classification: Likely benign. Last evaluated: 2025-03-10. Review status: criteria provided, single submitter. Criteria: Invitae Variant Classification Sherloc (09022015). Collection method: clinical testing. Allele origin: germline.

Blueprint Genetics
Classification: Likely benign. Last evaluated: 2018-07-19. Review status: criteria provided, single submitter. Criteria: ACMG Guidelines, 2015. Collection method: clinical testing. Allele origin: germline.

PreventionGenetics, part of Exact Sciences
Classification: Likely benign for PRPF6-related condition. Last evaluated: 2019-05-02. Review status: no assertion criteria provided. Collection method: clinical testing. Allele origin: germline. Not counted in ClinVar's aggregate classification.
Comment: This variant is classified as likely benign based on ACMG/AMP sequence variant interpretation guidelines (Richards et al. 2015 PMID: 25741868, with internal and published modifications).

NM_012469.4(PRPF6):c.798C>T (p.Thr266=)

Gene: PRPF6 (pre-mRNA processing factor 6; plus strand). Cytogenetic location: 20q13.33.
Variant type: single nucleotide variant.
Coding change: c.798C>T on transcript NM_012469.4 (MANE Select); coding-DNA position 798, C replaced by T.
Protein change: p.Thr266=; no amino-acid change (threonine 266 retained).
Molecular consequence: synonymous variant.
Genome position (GRCh38, 1-based): chr20:63,999,071, C>T. VCF-style: chr20-63999071-C-T. GRCh37 (hg19) VCF-style: chr20-62630424-C-T.
Other names: c.798C>T (NM_012469.3).
Identifiers: ClinVar variation 1615576 (VCV001615576.11), dbSNP rs571120972, ClinGen allele CA9972006.